The following is an entry in ClinVar:

ClinVar aggregate classification (germline): Uncertain significance (1 of 4 stars; one submission).

Submission:

GeneDx
Classification: Uncertain significance. Last evaluated: 2023-03-28. Review status: criteria provided, single submitter. Criteria: GeneDx Variant Classification Process June 2021. Collection method: clinical testing. Allele origin: germline. Affected: yes.
Comment: Not observed at significant frequency in large population cohorts (gnomAD); In silico analysis supports that this missense variant has a deleterious effect on protein structure/function; Has not been previously published as pathogenic or benign to our knowledge

NM_001252102.2(KIF21B):c.2408C>T (p.Ser803Phe)

Gene: KIF21B (kinesin family member 21B; minus strand). Cytogenetic location: 1q32.1.
Variant type: single nucleotide variant.
Coding change: c.2408C>T on transcript NM_001252102.2 (MANE Select); coding-DNA position 2408, C replaced by T.
Protein change: p.Ser803Phe; replaces serine 803 with phenylalanine.
Molecular consequence: missense variant.
Genome position (GRCh38, 1-based): chr1:200,991,703, G>A on the plus strand (C>T on the coding strand, the complement: KIF21B is on the minus strand). VCF-style: chr1-200991703-G-A. GRCh37 (hg19) VCF-style: chr1-200960831-G-A.
Other names: c.2408C>T, p.Ser803Phe (NM_001252100.2, NM_001252103.2, NM_017596.4); short protein forms S803F.
Identifiers: ClinVar variation 2582103 (VCV002582103.1), dbSNP rs2465171820, ClinGen allele CA344140187.